The following is an entry in ClinVar:

NM_018136.5(ASPM):c.4877T>C (p.Leu1626Pro)

Gene: ASPM (assembly factor for spindle microtubules; minus strand). Cytogenetic location: 1q31.3.
Variant type: single nucleotide variant.
Coding change: c.4877T>C on transcript NM_018136.5 (MANE Select); coding-DNA position 4877, T replaced by C.
Protein change: p.Leu1626Pro; replaces leucine 1626 with proline.
Molecular consequence: missense variant. On other transcripts: intron variant (1).
Genome position (GRCh38, 1-based): chr1:197,104,374, A>G on the plus strand (T>C on the coding strand, the complement: ASPM is on the minus strand). VCF-style: chr1-197104374-A-G. GRCh37 (hg19) VCF-style: chr1-197073504-A-G.
Other names: c.4066-8210T>C (NM_001206846.2); short protein forms L1626P.
Identifiers: ClinVar variation 1349482 (VCV001349482.8), dbSNP rs781266143, ClinGen allele CA1309851.

ClinVar aggregate classification (germline): Uncertain significance (1 of 4 stars; one submission).

Allele frequency attached by ClinVar (database versions not stated): gnomAD exomes 0.00001; ExAC 0.00002.
gnomAD v4.1: 4 of 1,613,164 alleles (0.00025%); highest among the groups gnomAD compares: Non-Finnish European, 0.00025%; no homozygotes.

Submission:

Labcorp Genetics (formerly Invitae), Labcorp
Classification: Uncertain significance. Last evaluated: 2022-02-10. Review status: criteria provided, single submitter. Criteria: Invitae Variant Classification Sherloc (09022015). Collection method: clinical testing. Allele origin: germline.
Comment: In summary, the available evidence is currently insufficient to determine the role of this variant in disease. Therefore, it has been classified as a Variant of Uncertain Significance. Algorithms developed to predict the effect of missense changes on protein structure and function are either unavailable or do not agree on the potential impact of this missense change (SIFT: "Tolerated"; PolyPhen-2: "Possibly Damaging"; Align-GVGD: "Class C0"). This variant has not been reported in the literature in individuals affected with ASPM-related conditions. This variant is present in population databases (rs781266143, gnomAD 0.002%). This sequence change replaces leucine, which is neutral and non-polar, with proline, which is neutral and non-polar, at codon 1626 of the ASPM protein (p.Leu1626Pro).